The following is an entry in ClinVar:

ClinVar aggregate classification (germline): Uncertain significance (1 of 4 stars; one submission).

gnomAD v4.1: 8 of 1,551,618 alleles (0.00052%); highest among the groups gnomAD compares: Admixed American, 0.012%; no homozygotes.

Submission:

Labcorp Genetics (formerly Invitae), Labcorp
Classification: Uncertain significance. Last evaluated: 2023-11-13. Review status: criteria provided, single submitter. Criteria: Invitae Variant Classification Sherloc (09022015). Collection method: clinical testing. Allele origin: germline.
Comment: This sequence change replaces arginine, which is basic and polar, with glycine, which is neutral and non-polar, at codon 3088 of the UNC80 protein (p.Arg3088Gly). This variant is present in population databases (rs374932020, gnomAD 0.01%). This variant has not been reported in the literature in individuals affected with UNC80-related conditions. ClinVar contains an entry for this variant (Variation ID: 1435012). Advanced modeling of protein sequence and biophysical properties (such as structural, functional, and spatial information, amino acid conservation, physicochemical variation, residue mobility, and thermodynamic stability) performed at Invitae indicates that this missense variant is not expected to disrupt UNC80 protein function with a negative predictive value of 80%. Algorithms developed to predict the effect of sequence changes on RNA splicing suggest that this variant may disrupt the consensus splice site. In summary, the available evidence is currently insufficient to determine the role of this variant in disease. Therefore, it has been classified as a Variant of Uncertain Significance.

NM_001371986.1(UNC80):c.9460C>G (p.Arg3154Gly)

Gene: UNC80 (unc-80 homolog, NALCN channel complex subunit; plus strand). Cytogenetic location: 2q34.
Variant type: single nucleotide variant.
Coding change: c.9460C>G on transcript NM_001371986.1 (MANE Select); coding-DNA position 9460, C replaced by G.
Protein change: p.Arg3154Gly; replaces arginine 3154 with glycine.
Molecular consequence: missense variant.
Genome position (GRCh38, 1-based): chr2:209,993,378, C>G. VCF-style: chr2-209993378-C-G. GRCh37 (hg19) VCF-style: chr2-210858102-C-G.
Other names: c.9262C>G, p.Arg3088Gly (NM_032504.2); c.9190C>G, p.Arg3064Gly (NM_182587.4); short protein forms R3154G, R3064G, R3088G.
Identifiers: ClinVar variation 1435012 (VCV001435012.5), dbSNP rs374932020, ClinGen allele CA2083676.